The following is an entry in ClinVar:

NM_017617.5(NOTCH1):c.2878T>C (p.Cys960Arg)

Gene: NOTCH1 (notch receptor 1; minus strand). Cytogenetic location: 9q34.3.
Variant type: single nucleotide variant.
Coding change: c.2878T>C on transcript NM_017617.5 (MANE Select); coding-DNA position 2878, T replaced by C.
Protein change: p.Cys960Arg; replaces cysteine 960 with arginine.
Molecular consequence: missense variant.
Genome position (GRCh38, 1-based): chr9:136,509,824, A>G on the plus strand (T>C on the coding strand, the complement: NOTCH1 is on the minus strand). VCF-style: chr9-136509824-A-G. GRCh37 (hg19) VCF-style: chr9-139404276-A-G.
Other names: short protein forms C960R.
Identifiers: ClinVar variation 3921028 (VCV003921028.1).

ClinVar aggregate classification (germline): Uncertain significance (1 of 4 stars; one submission).

Conditions:
Familial thoracic aortic aneurysm and aortic dissection (TAAD). Also called: Thoracic aortic aneurysms and dissections. Identifiers: Orphanet 91387, MedGen C4707243, MONDO:0019625.

Submission:

Ambry Genetics
Classification: Uncertain significance for Familial thoracic aortic aneurysm and aortic dissection. Last evaluated: 2025-03-25. Review status: criteria provided, single submitter. Criteria: Ambry Variant Classification Scheme 2023. Collection method: clinical testing. Allele origin: germline.
Comment: The p.C960R variant (also known as c.2878T>C), located in coding exon 18 of the NOTCH1 gene, results from a T to C substitution at nucleotide position 2878. The cysteine at codon 960 is replaced by arginine, an amino acid with highly dissimilar properties. This amino acid position is conserved. In addition, this alteration is predicted to be deleterious by in silico analysis. Based on the available evidence, the clinical significance of this variant remains unclear.